The following is an entry in ClinVar:

ClinVar aggregate classification (germline): Uncertain significance (1 of 4 stars; one submission).

Submission:

GeneDx
Classification: Uncertain significance. Last evaluated: 2025-07-31. Review status: criteria provided, single submitter. Criteria: GeneDx Variant Classification Process June 2021. Collection method: clinical testing. Allele origin: germline. Affected: yes.
Comment: Not observed at significant frequency in large population cohorts (gnomAD); In silico analysis supports that this missense variant has a deleterious effect on protein structure/function; Has not been previously published as pathogenic or benign to our knowledge

NM_000264.5(PTCH1):c.824T>G (p.Val275Gly)

Gene: PTCH1 (patched 1; minus strand). Cytogenetic location: 9q22.32.
Variant type: single nucleotide variant.
Coding change: c.824T>G on transcript NM_000264.5 (MANE Select); coding-DNA position 824, T replaced by G.
Protein change: p.Val275Gly; replaces valine 275 with glycine.
Molecular consequence: missense variant. On other transcripts: non-coding transcript variant (1).
Genome position (GRCh38, 1-based): chr9:95,480,511, A>C on the plus strand (T>G on the coding strand, the complement: PTCH1 is on the minus strand). VCF-style: chr9-95480511-A-C. GRCh37 (hg19) VCF-style: chr9-98242793-A-C.
Other names: c.626T>G, p.Val209Gly (NM_001083602.3); c.821T>G, p.Val274Gly (NM_001083603.3); c.371T>G, p.Val124Gly (NM_001083604.3, NM_001083605.3, NM_001083606.3 and 1 more transcripts); c.824T>G, p.Val275Gly (NM_001354918.2); short protein forms V124G, V209G, V274G, V275G.
Identifiers: ClinVar variation 4689800 (VCV004689800.1).